The following is an entry in ClinVar:

NM_001368894.2(PAX6):c.1226-1G>T

Genes: PAX6 (paired box 6; minus strand), ELP4 (elongator acetyltransferase complex subunit 4; plus strand). Cytogenetic location: 11p13.
Variant type: single nucleotide variant.
Coding change: c.1226-1G>T on transcript NM_001368894.2 (MANE Select); the canonical splice acceptor site of the intron before coding-DNA position 1226, G replaced by T.
Molecular consequence: splice acceptor variant. On other transcripts: 3 prime UTR variant (3).
Genome position (GRCh38, 1-based): chr11:31,790,020, C>A on the plus strand (G>T on the coding strand, the complement: PAX6 is on the minus strand). VCF-style: chr11-31790020-C-A. GRCh37 (hg19) VCF-style: chr11-31811568-C-A.
Other names: c.*6482C>A (NM_001288725.2); c.*6591C>A (NM_001288726.2); c.*6496C>A (NM_019040.5); c.1184-1G>T (NM_001127612.3, NM_001368890.2, NM_001368888.2 and 6 more transcripts); c.874-1G>T (NM_001368921.2); c.1025-1G>T (NM_001368923.2, NM_001368926.2, NM_001368927.2 and 3 more transcripts); c.1226-1G>T (NM_001258462.3, NM_001310158.2, NM_001258463.2 and 3 more transcripts); c.1301-1G>T (NM_001368919.2, NM_001368918.2); and 9 more.
Identifiers: ClinVar variation 3759616 (VCV003759616.2).

ClinVar aggregate classification (germline): Pathogenic (1 of 4 stars; one submission).

Conditions:
Aniridia 1 (AN1). Identifiers: Orphanet 250923, MedGen C0344542, MONDO:0024507, OMIM 106210.
Irido-corneo-trabecular dysgenesis (ASGD5). Also called: ANTERIOR SEGMENT DYSGENESIS 5. Identifiers: Orphanet 708, MedGen C0344559, MONDO:0011414, OMIM 604229, HP:0000659.

Submission:

Labcorp Genetics (formerly Invitae), Labcorp
Classification: Pathogenic for Aniridia 1; Irido-corneo-trabecular dysgenesis. Last evaluated: 2025-07-28. Review status: criteria provided, single submitter. Criteria: Invitae Variant Classification Sherloc (09022015). Collection method: clinical testing. Allele origin: germline.
Comment: This sequence change affects an acceptor splice site in intron 12 of the PAX6 gene. While this variant is not anticipated to result in nonsense mediated decay, it likely alters RNA splicing and results in a disrupted protein product. This variant is not present in population databases (gnomAD no frequency). Disruption of this splice site has been observed in individual(s) with aniridia (internal data). In at least one individual the variant was observed to be de novo. ClinVar contains an entry for this variant (Variation ID: 3759616). Variants that disrupt the consensus splice site are a relatively common cause of aberrant splicing (PMID: 17576681, 9536098). Algorithms developed to predict the effect of sequence changes on RNA splicing suggest that this variant may disrupt the consensus splice site. For these reasons, this variant has been classified as Pathogenic.

Literature cited by the submitters: PubMed 17576681; PubMed 9536098.